The following is an entry in ClinVar:

ClinVar aggregate classification (germline): Likely benign. Review status: criteria provided, multiple submitters, no conflicts (2 of 4 stars). 3 submissions from 3 submitters: Likely benign (2). 1 of the submissions does not count toward it. Last evaluated 2025-06-03.

Conditions:
ARHGAP24-related disorder. Also called: ARHGAP24-related condition.

Allele frequency attached by ClinVar (database versions not stated): gnomAD 0.00006; TOPMed 0.00006; ESP Exome Variant Server 0.00008.
gnomAD v4.1: 73 of 1,613,922 alleles (0.0045%); highest among the groups gnomAD compares: African/African-American, 0.008%; 1 homozygote.

Submissions (3):

Labcorp Genetics (formerly Invitae), Labcorp
Classification: Likely benign. Last evaluated: 2025-06-03. Review status: criteria provided, single submitter. Criteria: Invitae Variant Classification Sherloc (09022015). Collection method: clinical testing. Allele origin: germline.

Blueprint Genetics
Classification: Likely benign. Last evaluated: 2024-06-26. Review status: criteria provided, single submitter. Criteria: ACMG Guidelines, 2015. Collection method: clinical testing. Allele origin: germline.

PreventionGenetics, part of Exact Sciences
Classification: Likely benign for ARHGAP24-related condition. Last evaluated: 2023-01-12. Review status: no assertion criteria provided. Collection method: clinical testing. Allele origin: germline. Not counted in ClinVar's aggregate classification.
Comment: This variant is classified as likely benign based on ACMG/AMP sequence variant interpretation guidelines (Richards et al. 2015 PMID: 25741868, with internal and published modifications).

NM_001025616.3(ARHGAP24):c.165T>C (p.Asp55=)

Gene: ARHGAP24 (Rho GTPase activating protein 24; plus strand). Cytogenetic location: 4q21.23.
Variant type: single nucleotide variant.
Coding change: c.165T>C on transcript NM_001025616.3 (MANE Select); coding-DNA position 165, T replaced by C.
Protein change: p.Asp55=; no amino-acid change (aspartic acid 55 retained).
Molecular consequence: synonymous variant.
Genome position (GRCh38, 1-based): chr4:85,570,706, T>C. VCF-style: chr4-85570706-T-C. GRCh37 (hg19) VCF-style: chr4-86491859-T-C.
Identifiers: ClinVar variation 3046557 (VCV003046557.4), dbSNP rs377600102, ClinGen allele CA2994329.